The following is an entry in ClinVar:

ClinVar aggregate classification (germline): Likely benign. Review status: criteria provided, multiple submitters, no conflicts (2 of 4 stars). 2 submissions from 2 submitters: Likely benign (2). Last evaluated 2024-10-14.

Allele frequency attached by ClinVar (database versions not stated): ExAC 0.00014; 1000 Genomes Project 30x 0.00016; ESP Exome Variant Server 0.00016; 1000 Genomes Project 0.00020.
gnomAD v4.1: 229 of 1,600,838 alleles (0.014%); highest among the groups gnomAD compares: Middle Eastern, 0.16%; no homozygotes.

Submissions (2):

Blueprint Genetics
Classification: Likely benign. Last evaluated: 2024-10-14. Review status: criteria provided, single submitter. Criteria: ACMG Guidelines, 2015. Collection method: clinical testing. Allele origin: germline.

CeGaT Center for Human Genetics Tuebingen
Classification: Likely benign. Last evaluated: 2023-11-01. Review status: criteria provided, single submitter. Criteria: CeGaT Center For Human Genetics Tuebingen Variant Classification Criteria Version 2. Collection method: clinical testing. Allele origin: germline. Affected: yes. Observed: 2 variant alleles.
Comment: INTS1: BP4, BP7

NM_001080453.3(INTS1):c.3195C>T (p.Ala1065=)

Gene: INTS1 (integrator complex subunit 1; minus strand). Cytogenetic location: 7p22.3.
Variant type: single nucleotide variant.
Coding change: c.3195C>T on transcript NM_001080453.3 (MANE Select); coding-DNA position 3195, C replaced by T.
Protein change: p.Ala1065=; no amino-acid change (alanine 1065 retained).
Molecular consequence: synonymous variant.
Genome position (GRCh38, 1-based): chr7:1,485,164, G>A on the plus strand (C>T on the coding strand, the complement: INTS1 is on the minus strand). VCF-style: chr7-1485164-G-A. GRCh37 (hg19) VCF-style: chr7-1524800-G-A.
Identifiers: ClinVar variation 2657201 (VCV002657201.25), dbSNP rs201874197, ClinGen allele CA4119412.
Genomic context (GRCh38, chr7:1,485,164, plus strand): 5'-CAGGTCGCTGTGCTGGGCCTGCTCCTCCACAGGCGTGTGCTGGGACAAGTAGATCAGGTA[G>A]GCGCTGATGGTCTGGGGATCAGTCTCCATGTGGATTGCCTGGAGGGGAGGGTGGTCTGAG-3'
Protein context (NP_001073922.2, residues 1055-1075): HMETDPQTIS[Ala1065=]YLIYLSQHTP